The following is an entry in ClinVar:

ClinVar aggregate classification (germline): Benign. Review status: criteria provided, multiple submitters, no conflicts (2 of 4 stars). 2 submissions from 2 submitters: Benign (2). Last evaluated 2018-06-14.

Allele frequency attached by ClinVar (database versions not stated): 1000 Genomes Project 0.35104; 1000 Genomes Project 30x 0.35899; TOPMed 0.41365; gnomAD 0.41590 and 0.42315.
gnomAD v4.1: 63,265 of 152,008 alleles (42%); highest among the groups gnomAD compares: African/African-American, 46%; 13,490 homozygotes.

Submissions (2):

GeneDx
Classification: Benign. Last evaluated: 2018-06-14. Review status: criteria provided, single submitter. Criteria: GeneDx Variant Classification (06012015). Collection method: clinical testing. Allele origin: germline. Affected: yes.
Comment: This variant is considered likely benign or benign based on one or more of the following criteria: it is a conservative change, it occurs at a poorly conserved position in the protein, it is predicted to be benign by multiple in silico algorithms, and/or has population frequency not consistent with disease.

Breakthrough Genomics
Classification: Benign. Review status: criteria provided, single submitter. Criteria: ACMG Guidelines, 2015. Collection method: not provided. Allele origin: germline. Inheritance: Autosomal recessive inheritance. Affected: yes.

NM_147127.5(EVC2):c.1146-191A>G

Gene: EVC2 (EvC ciliary complex subunit 2; minus strand). Cytogenetic location: 4p16.2.
Variant type: single nucleotide variant.
Coding change: c.1146-191A>G on transcript NM_147127.5 (MANE Select); 191 bases into the intron before coding-DNA position 1146, A replaced by G.
Molecular consequence: intron variant.
Genome position (GRCh38, 1-based): chr4:5,641,029, T>C on the plus strand (A>G on the coding strand, the complement: EVC2 is on the minus strand). VCF-style: chr4-5641029-T-C. GRCh37 (hg19) VCF-style: chr4-5642756-T-C.
Other names: c.906-191A>G (NM_001166136.2).
Identifiers: ClinVar variation 669996 (VCV000669996.2), dbSNP rs4577515, ClinGen allele CA11744137.